The following is an entry in ClinVar:

ClinVar aggregate classification (germline): Uncertain significance (1 of 4 stars; one submission).

Conditions:
POLD1-related polyposis and colorectal cancer syndrome (CRCS10). Also called: Colorectal cancer 10; COLORECTAL CANCER, SUSCEPTIBILITY TO, ON CHROMOSOME 19q; Colorectal cancer, susceptibility to, 10. Identifiers: Orphanet 220460, MedGen C2675481, MONDO:0012953, OMIM 612591.

Submission:

Labcorp Genetics (formerly Invitae), Labcorp
Classification: Uncertain significance for POLD1-related polyposis and colorectal cancer syndrome. Last evaluated: 2024-04-02. Review status: criteria provided, single submitter. Criteria: Invitae Variant Classification Sherloc (09022015). Collection method: clinical testing. Allele origin: germline.
Comment: This sequence change replaces cysteine, which is neutral and slightly polar, with tyrosine, which is neutral and polar, at codon 761 of the POLD1 protein (p.Cys761Tyr). This variant is not present in population databases (gnomAD no frequency). This variant has not been reported in the literature in individuals affected with POLD1-related conditions. Advanced modeling of protein sequence and biophysical properties (such as structural, functional, and spatial information, amino acid conservation, physicochemical variation, residue mobility, and thermodynamic stability) performed at Invitae indicates that this missense variant is not expected to disrupt POLD1 protein function with a negative predictive value of 80%. In summary, the available evidence is currently insufficient to determine the role of this variant in disease. Therefore, it has been classified as a Variant of Uncertain Significance.

NM_002691.4(POLD1):c.2282G>A (p.Cys761Tyr)

Gene: POLD1 (DNA polymerase delta 1, catalytic subunit; plus strand). Cytogenetic location: 19q13.33.
Variant type: single nucleotide variant.
Coding change: c.2282G>A on transcript NM_002691.4 (MANE Select); coding-DNA position 2282, G replaced by A.
Protein change: p.Cys761Tyr; replaces cysteine 761 with tyrosine.
Molecular consequence: missense variant. On other transcripts: non-coding transcript variant (1).
Genome position (GRCh38, 1-based): chr19:50,413,773, G>A. VCF-style: chr19-50413773-G-A. GRCh37 (hg19) VCF-style: chr19-50917030-G-A.
Other names: c.2282G>A, p.Cys761Tyr (NM_001256849.1); c.2360G>A, p.Cys787Tyr (NM_001308632.1); short protein forms C761Y, C787Y.
Identifiers: ClinVar variation 3648393 (VCV003648393.2).